The following is an entry in ClinVar:

NM_001999.4(FBN2):c.8299A>G (p.Ile2767Val)

Gene: FBN2 (fibrillin 2; minus strand). Cytogenetic location: 5q23.3.
Variant type: single nucleotide variant.
Coding change: c.8299A>G on transcript NM_001999.4 (MANE Select); coding-DNA position 8299, A replaced by G.
Protein change: p.Ile2767Val; replaces isoleucine 2767 with valine.
Molecular consequence: missense variant.
Genome position (GRCh38, 1-based): chr5:128,261,801, T>C on the plus strand (A>G on the coding strand, the complement: FBN2 is on the minus strand). VCF-style: chr5-128261801-T-C. GRCh37 (hg19) VCF-style: chr5-127597493-T-C.
Other names: short protein forms I2767V.
Identifiers: ClinVar variation 4745110 (VCV004745110.1).
Genomic context (GRCh38, chr5:128,261,801, plus strand): 5'-TGGGATCAGGTTCATGAATACTTCTCTTCTGCCTGCTGTCTTTCTTAGAATAGCCGTTGA[T>C]TTTGCACTCGTAGCATGCTTCTGGGGACAGAGCATTTTCCTCATCGACCTCTGTATCCAG-3'
Protein context (NP_001990.2, residues 2757-2777): LSPEACYECK[Ile2767Val]NGYSKKDSRQ

ClinVar aggregate classification (germline): Uncertain significance (1 of 4 stars; one submission).

Conditions:
Congenital contractural arachnodactyly (CCA). Also called: BEALS SYNDROME; Arthrogryposis, distal, type 9; Beals-Hecht syndrome. Identifiers: Orphanet 115, MedGen C0220668, MONDO:0007363, OMIM 121050.

Submission:

Labcorp Genetics (formerly Invitae), Labcorp
Classification: Uncertain significance for Congenital contractural arachnodactyly. Last evaluated: 2025-10-07. Review status: criteria provided, single submitter. Criteria: Invitae Variant Classification Sherloc (09022015). Collection method: clinical testing. Allele origin: germline.
Comment: This sequence change replaces isoleucine, which is neutral and non-polar, with valine, which is neutral and non-polar, at codon 2767 of the FBN2 protein (p.Ile2767Val). This variant is not present in population databases (gnomAD no frequency). This variant has not been reported in the literature in individuals affected with FBN2-related conditions. Invitae Evidence Modeling of protein sequence and biophysical properties (such as structural, functional, and spatial information, amino acid conservation, physicochemical variation, residue mobility, and thermodynamic stability) indicates that this missense variant is not expected to disrupt FBN2 protein function with a negative predictive value of 80%. In summary, the available evidence is currently insufficient to determine the role of this variant in disease. Therefore, it has been classified as a Variant of Uncertain Significance.